The following is an entry in ClinVar:

ClinVar aggregate classification (germline): Uncertain significance (1 of 4 stars; one submission).

Conditions:
Microcephaly, normal intelligence and immunodeficiency (NBS). Also called: BERLIN BREAKAGE SYNDROME; Immunodeficiency, microcephaly with normal intelligence; Ataxia telangiectasia variant V1; Nijmegen breakage syndrome; Microcephaly with normal intelligence immunodeficiency and lymphoreticular malignancies; Nonsyndromal microcephaly autosomal recessive with normal intelligence. Identifiers: Orphanet 647, MedGen C0398791, MONDO:0009623, OMIM 251260.

Submission:

Labcorp Genetics (formerly Invitae), Labcorp
Classification: Uncertain significance for Microcephaly, normal intelligence and immunodeficiency. Last evaluated: 2022-06-09. Review status: criteria provided, single submitter. Criteria: Invitae Variant Classification Sherloc (09022015). Collection method: clinical testing. Allele origin: germline.
Comment: This sequence change falls in intron 3 of the NBN gene. It does not directly change the encoded amino acid sequence of the NBN protein. This variant is not present in population databases (gnomAD no frequency). This variant has not been reported in the literature in individuals affected with NBN-related conditions. Algorithms developed to predict the effect of sequence changes on RNA splicing suggest that this variant may disrupt the consensus splice site. In summary, the available evidence is currently insufficient to determine the role of this variant in disease. Therefore, it has been classified as a Variant of Uncertain Significance.

NM_002485.5(NBN):c.321-6T>G

Gene: NBN (nibrin; minus strand). Cytogenetic location: 8q21.3.
Variant type: single nucleotide variant.
Coding change: c.321-6T>G on transcript NM_002485.5 (MANE Select); 6 bases into the intron before coding-DNA position 321, T replaced by G.
Molecular consequence: intron variant.
Genome position (GRCh38, 1-based): chr8:89,980,899, A>C on the plus strand (T>G on the coding strand, the complement: NBN is on the minus strand). VCF-style: chr8-89980899-A-C. GRCh37 (hg19) VCF-style: chr8-90993127-A-C.
Other names: c.75-6T>G (NM_001024688.3).
Identifiers: ClinVar variation 2003754 (VCV002003754.4), dbSNP rs1812035202, ClinGen allele CA2580079193.